The following is an entry in ClinVar:

ClinVar aggregate classification (germline): Uncertain significance. Review status: criteria provided, multiple submitters, no conflicts (2 of 4 stars). 2 submissions from 2 submitters: Uncertain significance (2). Last evaluated 2025-12-04.

Conditions:
Inborn genetic diseases. Identifiers: MedGen C0950123, MeSH D030342.

gnomAD v4.1: 5 of 1,610,888 alleles (0.00031%); highest among the groups gnomAD compares: Admixed American, 0.0067%; no homozygotes.

Submissions (2):

Ambry Genetics
Classification: Uncertain significance for Inborn genetic diseases. Last evaluated: 2025-12-04. Review status: criteria provided, single submitter. Criteria: Ambry Variant Classification Scheme 2023. Collection method: clinical testing. Allele origin: germline.

Labcorp Genetics (formerly Invitae), Labcorp
Classification: Uncertain significance. Last evaluated: 2025-09-26. Review status: criteria provided, single submitter. Criteria: Invitae Variant Classification Sherloc (09022015). Collection method: clinical testing. Allele origin: germline.
Comment: This sequence change replaces methionine, which is neutral and non-polar, with threonine, which is neutral and polar, at codon 233 of the MATN3 protein (p.Met233Thr). This variant is present in population databases (no rsID available, gnomAD 0.009%). This variant has not been reported in the literature in individuals affected with MATN3-related conditions. Invitae Evidence Modeling of protein sequence and biophysical properties (such as structural, functional, and spatial information, amino acid conservation, physicochemical variation, residue mobility, and thermodynamic stability) indicates that this missense variant is expected to disrupt MATN3 protein function with a positive predictive value of 80%. In summary, the available evidence is currently insufficient to determine the role of this variant in disease. Therefore, it has been classified as a Variant of Uncertain Significance.

NM_002381.5(MATN3):c.698T>C (p.Met233Thr)

Gene: MATN3 (matrilin 3; minus strand). Cytogenetic location: 2p24.1.
Variant type: single nucleotide variant.
Coding change: c.698T>C on transcript NM_002381.5 (MANE Select); coding-DNA position 698, T replaced by C.
Protein change: p.Met233Thr; replaces methionine 233 with threonine.
Molecular consequence: missense variant.
Genome position (GRCh38, 1-based): chr2:20,005,836, A>G on the plus strand (T>C on the coding strand, the complement: MATN3 is on the minus strand). VCF-style: chr2-20005836-A-G. GRCh37 (hg19) VCF-style: chr2-20205597-A-G.
Other names: short protein forms M233T.
Identifiers: ClinVar variation 4624364 (VCV004624364.2).
Genomic context (GRCh38, chr2:20,005,836, plus strand): 5'-TTCTCAATGACCCCATAGGTCTCCACGTAGAAAACATGCTCCTCTAGGGGCTCACTGGCC[A>G]TCATCTTGAGGGACGCCATGTCTGCCCGGTCCACGCCCACAGCATAGAGCTCAATACCAG-3'
Protein context (NP_002372.1, residues 223-243): DRADMASLKM[Met233Thr]ASEPLEEHVF